The following is an entry in ClinVar:

ClinVar aggregate classification (germline): Uncertain significance. Review status: criteria provided, multiple submitters, no conflicts (2 of 4 stars). 7 submissions from 7 submitters: Uncertain significance (6). 1 of the submissions does not count toward it. Last evaluated 2026-01-21.

Conditions:
Hereditary cancer-predisposing syndrome. Also called: Neoplastic Syndromes, Hereditary; Tumor predisposition; Hereditary neoplastic syndrome; Hereditary Cancer Syndrome. Identifiers: Orphanet 140162, MedGen C0027672, MeSH D009386, MONDO:0015356.
Fanconi anemia (FA). Also called: Fanconi's anemia. Identifiers: Orphanet 84, MedGen C0015625, MeSH D005199, MONDO:0019391.
Fanconi anemia complementation group C (FANCC). Also called: FANCONI PANCYTOPENIA, TYPE 3; FACC; Fanconi anemia, group C; FANCC-Related Fanconi Anemia. Identifiers: Orphanet 84, MedGen C3468041, MONDO:0009213, OMIM 227645.

Allele frequency attached by ClinVar (database versions not stated): TOPMed 0.00001; ExAC 0.00003; gnomAD exomes 0.00003 and 0.00004; gnomAD 0.00004.
gnomAD v4.1: 56 of 1,614,014 alleles (0.0035%); highest among the groups gnomAD compares: Non-Finnish European, 0.004%; no homozygotes.

Submissions (7):

Labcorp Genetics (formerly Invitae), Labcorp
Classification: Uncertain significance for Fanconi anemia. Last evaluated: 2026-01-21. Review status: criteria provided, single submitter. Criteria: Invitae Variant Classification Sherloc (09022015). Collection method: clinical testing. Allele origin: germline.
Comment: This sequence change replaces threonine, which is neutral and polar, with serine, which is neutral and polar, at codon 515 of the FANCC protein (p.Thr515Ser). This variant is present in population databases (rs201379302, gnomAD 0.008%). This variant has not been reported in the literature in individuals affected with FANCC-related conditions. ClinVar contains an entry for this variant (Variation ID: 367609). Invitae Evidence Modeling of protein sequence and biophysical properties (such as structural, functional, and spatial information, amino acid conservation, physicochemical variation, residue mobility, and thermodynamic stability) indicates that this missense variant is not expected to disrupt FANCC protein function with a negative predictive value of 80%. In summary, the available evidence is currently insufficient to determine the role of this variant in disease. Therefore, it has been classified as a Variant of Uncertain Significance.

St. Jude Molecular Pathology, St. Jude Children's Research Hospital
Classification: Uncertain significance for Fanconi anemia complementation group C. Last evaluated: 2024-11-12. Review status: criteria provided, single submitter. Criteria: St. Jude Assertion Criteria 2020. Collection method: clinical testing. Allele origin: germline.
Comment: The FANCC c.1544C>G (p.Thr515Ser) missense change has a maximum subpopulation frequency of 0.0070% in gnomAD v2.1.1. The in silico tool REVEL predicts a benign effect on protein function, but this prediction has not been confirmed by functional studies. In a case-control study, this variant was reported in 1 of 1441 individuals with breast cancer and absent in 4643 control individuals (PMID: 23028338). This variant has not been reported in the literature in individuals with Fanconi anemia. In summary, the evidence currently available is insufficient to determine the clinical significance of this variant. It has therefore been classified as of uncertain significance.

GeneDx
Classification: Uncertain significance. Last evaluated: 2024-07-03. Review status: criteria provided, single submitter. Criteria: GeneDx Variant Classification Process June 2021. Collection method: clinical testing. Allele origin: germline. Affected: yes.
Comment: In silico analysis indicates that this missense variant does not alter protein structure/function; Observed in individuals with breast cancer (PMID: 23028338); This variant is associated with the following publications: (PMID: Gordon2000[Book], 23028338)

Ambry Genetics
Classification: Uncertain significance for Hereditary cancer-predisposing syndrome. Last evaluated: 2023-05-30. Review status: criteria provided, single submitter. Criteria: Ambry Variant Classification Scheme 2023. Collection method: clinical testing. Allele origin: germline.
Comment: The p.T515S variant (also known as c.1544C>G), located in coding exon 14 of the FANCC gene, results from a C to G substitution at nucleotide position 1544. The threonine at codon 515 is replaced by serine, an amino acid with similar properties. In one study, this alteration was detected in 1/1441 breast cancer cases and 0/464 healthy controls (Thompson ER et al. PLoS Genet, 2012 Sep;8:e1002894). This amino acid position is highly conserved in available vertebrate species. In addition, this alteration is predicted to be tolerated by in silico analysis. Since supporting evidence is limited at this time, the clinical significance of this alteration remains unclear.

Genetic Services Laboratory, University of Chicago
Classification: Uncertain significance. Last evaluated: 2021-09-22. Review status: criteria provided, single submitter. Criteria: ACMG Guidelines, 2015. Collection method: clinical testing. Allele origin: germline. Affected: no.
Comment: This sequence change does not appear to have been previously described in patients with FANCC-related disorders and has been described in the gnomAD database with a low population frequency of 0.0043% (dbSNP rs201379302). The p.Thr515Ser change affects a highly conserved amino acid residue located in a domain of the FANCC protein that is known to be functional. The p.Thr515Ser substitution appears to be benign using several in-silico pathogenicity prediction tools (SIFT, PolyPhen2, Align GVGD, REVEL). Due to this insufficient evidence and the lack of functional studies, the clinical significance of the p.Thr515Ser change remains unknown at this time.

Illumina Laboratory Services, Illumina
Classification: Uncertain significance for Fanconi anemia complementation group C. Last evaluated: 2018-01-12. Review status: criteria provided, single submitter. Criteria: ICSL Variant Classification Criteria 13 December 2019. Collection method: clinical testing. Allele origin: germline.

Natera, Inc.
Classification: Uncertain significance for Fanconi anemia, group C. Last evaluated: 2020-09-16. Review status: no assertion criteria provided. Collection method: clinical testing. Allele origin: germline. Not counted in ClinVar's aggregate classification.

Literature cited by the submitters: PubMed 23028338 (cited by Ambry Genetics).

NM_000136.3(FANCC):c.1544C>G (p.Thr515Ser)

Genes: FANCC (FA complementation group C; minus strand), AOPEP (aminopeptidase O (putative); plus strand). Cytogenetic location: 9q22.32.
Variant type: single nucleotide variant.
Coding change: c.1544C>G on transcript NM_000136.3 (MANE Select); coding-DNA position 1544, C replaced by G.
Protein change: p.Thr515Ser; replaces threonine 515 with serine.
Molecular consequence: missense variant.
Genome position (GRCh38, 1-based): chr9:95,101,840, G>C on the plus strand (C>G on the coding strand, the complement: FANCC is on the minus strand). VCF-style: chr9-95101840-G-C. GRCh37 (hg19) VCF-style: chr9-97864122-G-C.
Other names: c.1544C>G, p.Thr515Ser (NM_001243743.2); short protein forms T515S.
Identifiers: ClinVar variation 367609 (VCV000367609.25), dbSNP rs201379302, ClinGen allele CA5137299.